The following is an entry in ClinVar:

NM_001290048.2(ATL3):c.-201C>G

Genes: ATL3 (atlastin GTPase 3; minus strand), LOC130005887 (ATAC-STARR-seq lymphoblastoid active region 4874; plus strand). Cytogenetic location: 11q13.1.
Variant type: single nucleotide variant.
Coding change: c.-201C>G on transcript NM_001290048.2; 201 bases upstream of the start codon, C replaced by G.
Molecular consequence: 5 prime UTR variant.
Genome position (GRCh38, 1-based): chr11:63,671,828, G>C on the plus strand (C>G on the coding strand, the complement: ATL3 is on the minus strand). VCF-style: chr11-63671828-G-C. GRCh37 (hg19) VCF-style: chr11-63439300-G-C.
Other names: c.-201C>G (NM_001440720.1).
Identifiers: ClinVar variation 1699717 (VCV001699717.2), dbSNP rs115053499, ClinGen allele CA223753264.
Genomic context (GRCh38, chr11:63,671,828, plus strand): 5'-ACAACTCCCAGCAGGCTGTGCGGGAAGGGGCGGGCTGGCTCGGGTCCTCCTGCGAGCTGC[G>C]GCCGGCGCCTAACGTGCAGACCAGGCCCCAGGCCGAGGCTTTATCCTGGAACCACCAGTG-3'

ClinVar aggregate classification (germline): Likely benign (1 of 4 stars; one submission).

Allele frequency attached by ClinVar (database versions not stated): gnomAD 0.01307 and 0.01211; TOPMed 0.01374; 1000 Genomes Project 0.01138; 1000 Genomes Project 30x 0.01312.
gnomAD v4.1: 2,485 of 941,244 alleles (0.26%); highest among the groups gnomAD compares: African/African-American, 4.1%; 54 homozygotes.

Submission:

GeneDx
Classification: Likely benign. Last evaluated: 2022-01-28. Review status: criteria provided, single submitter. Criteria: GeneDx Variant Classification Process June 2021. Collection method: clinical testing. Allele origin: germline. Affected: yes.
Comment: See Variant Classification Assertion Criteria.